The following is an entry in ClinVar:

ClinVar aggregate classification (germline): Uncertain significance (1 of 4 stars; one submission).

gnomAD v4.1: 33 of 1,613,824 alleles (0.002%); highest among the groups gnomAD compares: South Asian, 0.0099%; no homozygotes.

Submission:

CeGaT Center for Human Genetics Tuebingen
Classification: Uncertain significance. Last evaluated: 2026-09-01. Review status: criteria provided, single submitter. Criteria: CeGaT Center For Human Genetics Tuebingen Variant Classification Criteria Version 2. Collection method: clinical testing. Allele origin: germline. Affected: yes. Observed: 1 variant allele.
Comment: WDR11: PM2, PP3

NM_018117.12(WDR11):c.856C>T (p.Arg286Cys)

Gene: WDR11 (WD repeat domain 11; plus strand). Cytogenetic location: 10q26.12.
Variant type: single nucleotide variant.
Coding change: c.856C>T on transcript NM_018117.12 (MANE Select); coding-DNA position 856, C replaced by T.
Protein change: p.Arg286Cys; replaces arginine 286 with cysteine.
Molecular consequence: missense variant.
Genome position (GRCh38, 1-based): chr10:120,865,189, C>T. VCF-style: chr10-120865189-C-T. GRCh37 (hg19) VCF-style: chr10-122624701-C-T.
Other names: short protein forms R286C.
Identifiers: ClinVar variation 5041010 (VCV005041010.1).